The following is an entry in ClinVar:

ClinVar aggregate classification (germline): Uncertain significance. Review status: criteria provided, multiple submitters, no conflicts (2 of 4 stars). 3 submissions from 3 submitters: Uncertain significance (3). Last evaluated 2025-05-09.

Submissions (3):

Women's Health and Genetics/Laboratory Corporation of America, LabCorp
Classification: Uncertain significance. Last evaluated: 2025-05-09. Review status: criteria provided, single submitter. Criteria: LabCorp Variant Classification Summary - May 2015. Collection method: clinical testing. Allele origin: germline.
Comment: Variant summary: SETX c.6112T>C (p.Cys2038Arg) results in a non-conservative amino acid change in the encoded protein sequence. Algorithms developed to predict the effect of missense changes on protein structure and function all suggest that this variant is likely to be disruptive. The variant was absent in 250542 control chromosomes (gnomAD). The available data on variant occurrences in the general population are insufficient to allow any conclusion about variant significance. To our knowledge, no occurrence of c.6112T>C in individuals affected with Spinocerebellar ataxia, autosomal recessive, with axonal neuropathy 2 and no experimental evidence demonstrating its impact on protein function have been reported. ClinVar contains an entry for this variant (Variation ID: 448340). Based on the evidence outlined above, the variant was classified as uncertain significance.

GeneDx
Classification: Uncertain significance. Last evaluated: 2025-03-05. Review status: criteria provided, single submitter. Criteria: GeneDx Variant Classification Process June 2021. Collection method: clinical testing. Allele origin: germline. Affected: yes.
Comment: Not observed at significant frequency in large population cohorts (gnomAD); In silico analysis supports that this missense variant has a deleterious effect on protein structure/function; Has not been previously published as pathogenic or benign to our knowledge

Athena Diagnostics
Classification: Uncertain significance. Last evaluated: 2016-12-27. Review status: criteria provided, single submitter. Criteria: Athena Diagnostics Criteria. Collection method: clinical testing. Allele origin: germline.

NM_015046.7(SETX):c.6112T>C (p.Cys2038Arg)

Gene: SETX (senataxin; minus strand). Cytogenetic location: 9q34.13.
Variant type: single nucleotide variant.
Coding change: c.6112T>C on transcript NM_015046.7 (MANE Select); coding-DNA position 6112, T replaced by C.
Protein change: p.Cys2038Arg; replaces cysteine 2038 with arginine.
Molecular consequence: missense variant.
Genome position (GRCh38, 1-based): chr9:132,288,646, A>G on the plus strand (T>C on the coding strand, the complement: SETX is on the minus strand). VCF-style: chr9-132288646-A-G. GRCh37 (hg19) VCF-style: chr9-135164033-A-G.
Other names: c.6112T>C, p.Cys2038Arg (NM_001351527.2, NM_001351528.2); short protein forms C2038R.
Identifiers: ClinVar variation 448340 (VCV000448340.3), dbSNP rs1554809388, ClinGen allele CA375339223.